The following is an entry in ClinVar:

ClinVar aggregate classification (germline): Uncertain significance. Review status: criteria provided, multiple submitters, no conflicts (2 of 4 stars). 3 submissions from 3 submitters: Uncertain significance (3). Last evaluated 2025-04-28.

Allele frequency attached by ClinVar (database versions not stated): gnomAD exomes 0.00002 and 0.00001; gnomAD 0.00003 and 0.00001; TOPMed 0.00003; ExAC 0.00002.
gnomAD v4.1: 25 of 1,613,756 alleles (0.0015%); highest among the groups gnomAD compares: South Asian, 0.0022%; no homozygotes.

Submissions (3):

Labcorp Genetics (formerly Invitae), Labcorp
Classification: Uncertain significance. Last evaluated: 2025-04-28. Review status: criteria provided, single submitter. Criteria: Invitae Variant Classification Sherloc (09022015). Collection method: clinical testing. Allele origin: germline.
Comment: This sequence change replaces arginine, which is basic and polar, with tryptophan, which is neutral and slightly polar, at codon 194 of the EFEMP1 protein (p.Arg194Trp). This variant is present in population databases (rs398123542, gnomAD 0.004%). This variant has not been reported in the literature in individuals affected with EFEMP1-related conditions. ClinVar contains an entry for this variant (Variation ID: 93483). Invitae Evidence Modeling of protein sequence and biophysical properties (such as structural, functional, and spatial information, amino acid conservation, physicochemical variation, residue mobility, and thermodynamic stability) indicates that this missense variant is not expected to disrupt EFEMP1 protein function with a negative predictive value of 80%. In summary, the available evidence is currently insufficient to determine the role of this variant in disease. Therefore, it has been classified as a Variant of Uncertain Significance.

Blueprint Genetics
Classification: Uncertain significance. Last evaluated: 2020-12-28. Review status: criteria provided, single submitter. Criteria: ACMG Guidelines, 2015. Collection method: clinical testing. Allele origin: germline.

Eurofins Ntd Llc (ga)
Classification: Uncertain significance. Last evaluated: 2013-09-19. Review status: criteria provided, single submitter. Criteria: EGL Classification Definitions 2015. Collection method: clinical testing. Allele origin: germline. Observed: 1 variant allele, 1 heterozygote.

NM_001039348.3(EFEMP1):c.580C>T (p.Arg194Trp)

Gene: EFEMP1 (EGF-like fibulin extracellular matrix protein 1; minus strand). Cytogenetic location: 2p16.1.
Variant type: single nucleotide variant.
Coding change: c.580C>T on transcript NM_001039348.3 (MANE Select); coding-DNA position 580, C replaced by T.
Protein change: p.Arg194Trp; replaces arginine 194 with tryptophan.
Molecular consequence: missense variant.
Genome position (GRCh38, 1-based): chr2:55,881,672, G>A on the plus strand (C>T on the coding strand, the complement: EFEMP1 is on the minus strand). VCF-style: chr2-55881672-G-A. GRCh37 (hg19) VCF-style: chr2-56108807-G-A.
Other names: c.580C>T, p.Arg194Trp (NM_001039349.3); short protein forms R194W.
Identifiers: ClinVar variation 93483 (VCV000093483.12), dbSNP rs398123542, ClinGen allele CA221430.